The following is an entry in ClinVar:

ClinVar aggregate classification (germline): Uncertain significance (1 of 4 stars; one submission).

Conditions:
Deficiency of hyaluronoglucosaminidase (MPS9). Also called: HYALURONIDASE DEFICIENCY; MPS IX; Mucopolysaccharidosis type 9. Identifiers: Orphanet 67041, MedGen C1291490, MONDO:0011093, OMIM 601492.

gnomAD v4.1: 1 of 1,614,110 alleles (0.000062%); highest among the groups gnomAD compares: Admixed American, 0.0017%; no homozygotes.

Submission:

Labcorp Genetics (formerly Invitae), Labcorp
Classification: Uncertain significance for Deficiency of hyaluronoglucosaminidase. Last evaluated: 2022-02-28. Review status: criteria provided, single submitter. Criteria: Invitae Variant Classification Sherloc (09022015). Collection method: clinical testing. Allele origin: germline.
Comment: This sequence change replaces asparagine, which is neutral and polar, with lysine, which is basic and polar, at codon 99 of the HYAL1 protein (p.Asn99Lys). This variant is not present in population databases (gnomAD no frequency). This variant has not been reported in the literature in individuals affected with HYAL1-related conditions. Algorithms developed to predict the effect of missense changes on protein structure and function are either unavailable or do not agree on the potential impact of this missense change (SIFT: "Tolerated"; PolyPhen-2: "Probably Damaging"; Align-GVGD: "Class C0"). In summary, the available evidence is currently insufficient to determine the role of this variant in disease. Therefore, it has been classified as a Variant of Uncertain Significance.

NM_033159.4(HYAL1):c.297T>G (p.Asn99Lys)

Gene: HYAL1 (hyaluronidase 1; minus strand). Cytogenetic location: 3p21.31.
Variant type: single nucleotide variant.
Coding change: c.297T>G on transcript NM_033159.4 (MANE Select); coding-DNA position 297, T replaced by G.
Protein change: p.Asn99Lys; replaces asparagine 99 with lysine.
Molecular consequence: missense variant. On other transcripts: non-coding transcript variant (1), intron variant (2).
Genome position (GRCh38, 1-based): chr3:50,302,660, A>C on the plus strand (T>G on the coding strand, the complement: HYAL1 is on the minus strand). VCF-style: chr3-50302660-A-C. GRCh37 (hg19) VCF-style: chr3-50340091-A-C.
Other names: c.297T>G, p.Asn99Lys (NM_153281.2, NM_153282.3); c.-26-455T>G (NM_153285.3); c.-213-37T>G (NM_153283.3); short protein forms N99K.
Identifiers: ClinVar variation 1397229 (VCV001397229.5), dbSNP rs782638873, ClinGen allele CA352895471.
Genomic context (GRCh38, chr3:50,302,660, plus strand): 5'-AGCAGGTATGGCAGCCAGGATGTCCTGGAATGTGCGGGCCAGGTGGGCAATCAGGCTGGC[A>C]TTCTGGGGCAGACCACCAAACACAGGCTCCCCAGTGGGCGTGTAGTAGGGGTAGGTGCCC-3'
Protein context (NP_149349.2, residues 89-109): GEPVFGGLPQ[Asn99Lys]ASLIAHLART